The following is an entry in ClinVar:

NM_001073.3(UGT2B11):c.366A>T (p.Ile122=)

Genes: UGT2B11 (UDP glucuronosyltransferase family 2 member B11; minus strand), UGT2B11-AS1 (UGT2B11 antisense RNA 1; plus strand). Cytogenetic location: 4q13.2.
Variant type: single nucleotide variant.
Coding change: c.366A>T on transcript NM_001073.3 (MANE Select); coding-DNA position 366, A replaced by T.
Protein change: p.Ile122=; no amino-acid change (isoleucine 122 retained).
Molecular consequence: synonymous variant.
Genome position (GRCh38, 1-based): chr4:69,214,357, T>A on the plus strand (A>T on the coding strand, the complement: UGT2B11 is on the minus strand). VCF-style: chr4-69214357-T-A. GRCh37 (hg19) VCF-style: chr4-70080075-T-A.
Identifiers: ClinVar variation 4281579 (VCV004281579.7).
Genomic context (GRCh38, chr4:69,214,357, plus strand): 5'-CTCTTGTAGTTTTTTCATAACTTTCTTATTTGAAACTACATCTTTACAGAAGTTTCTAAA[T>A]ATGTCATATAATTCCCACAGGATTTCTTGTTCTTGTGAAAAATATAACCAAAAGCTATCT-3'
Protein context (NP_001064.1, residues 112-132): EQEILWELYD[Ile122=]FRNFCKDVVS

ClinVar aggregate classification (germline): Likely benign (1 of 4 stars; one submission).

Submission:

CeGaT Center for Human Genetics Tuebingen
Classification: Likely benign. Last evaluated: 2025-09-01. Review status: criteria provided, single submitter. Criteria: CeGaT Center For Human Genetics Tuebingen Variant Classification Criteria Version 2. Collection method: clinical testing. Allele origin: germline. Affected: yes. Observed: 1 variant allele.
Comment: UGT2B11: PM2:Supporting, BP4, BP7